The following is an entry in ClinVar:

ClinVar aggregate classification (germline): Conflicting classifications of pathogenicity. Review status: criteria provided, conflicting classifications (1 of 4 stars). 6 submissions from 6 submitters: Uncertain significance (5); Likely benign (1). Last evaluated 2025-06-27.

Conditions:
Hereditary cancer-predisposing syndrome. Also called: Hereditary neoplastic syndrome; Tumor predisposition; Neoplastic Syndromes, Hereditary; Hereditary Cancer Syndrome. Identifiers: Orphanet 140162, MedGen C0027672, MeSH D009386, MONDO:0015356.
Colorectal cancer, susceptibility to, 12 (CRCS12). Also called: COLORECTAL CANCER, SUSCEPTIBILITY TO, ON CHROMOSOME 12q24. Identifiers: Orphanet 220460, MedGen C3554460, MONDO:0014038, OMIM 615083.

Allele frequency attached by ClinVar (database versions not stated): gnomAD exomes below 0.00001 and 0.00001.
gnomAD v4.1: 5 of 1,603,660 alleles (0.00031%); highest among the groups gnomAD compares: Middle Eastern, 0.017%; no homozygotes.

Submissions (6):

Labcorp Genetics (formerly Invitae), Labcorp
Classification: Uncertain significance. Last evaluated: 2025-06-27. Review status: criteria provided, single submitter. Criteria: Invitae Variant Classification Sherloc (09022015). Collection method: clinical testing. Allele origin: germline.
Comment: This sequence change replaces isoleucine, which is neutral and non-polar, with valine, which is neutral and non-polar, at codon 1739 of the POLE protein (p.Ile1739Val). This variant is present in population databases (no rsID available, gnomAD 0.003%). This variant has not been reported in the literature in individuals affected with POLE-related conditions. ClinVar contains an entry for this variant (Variation ID: 420695). Invitae Evidence Modeling of protein sequence and biophysical properties (such as structural, functional, and spatial information, amino acid conservation, physicochemical variation, residue mobility, and thermodynamic stability) indicates that this missense variant is not expected to disrupt POLE protein function with a negative predictive value of 80%. In summary, the available evidence is currently insufficient to determine the role of this variant in disease. Therefore, it has been classified as a Variant of Uncertain Significance.

Ambry Genetics
Classification: Likely benign for Hereditary cancer-predisposing syndrome. Last evaluated: 2024-03-29. Review status: criteria provided, single submitter. Criteria: Ambry Variant Classification Scheme 2023. Collection method: clinical testing. Allele origin: germline.

St. Jude Molecular Pathology, St. Jude Children's Research Hospital
Classification: Uncertain significance for Colorectal cancer, susceptibility to, 12. Last evaluated: 2022-08-31. Review status: criteria provided, single submitter. Criteria: St. Jude Assertion Criteria 2020. Collection method: clinical testing. Allele origin: germline.
Comment: The POLE c.5215A>G (p.Ile1739Val) missense change has a maximum subpopulation frequency of 0.0029% in gnomAD v2.1.1. The in silico tool REVEL predicts a benign effect on protein function, but to our knowledge this prediction has not been confirmed by functional studies. To our knowledge, this variant has not been reported in individuals with POLE-associated polyposis, FILS syndrome, or IMAGE-I syndrome. In summary, the evidence currently available is insufficient to determine the clinical significance of this variant. It has therefore been classified as of uncertain significance.

Quest Diagnostics Nichols Institute San Juan Capistrano
Classification: Uncertain significance. Last evaluated: 2018-08-09. Review status: criteria provided, single submitter. Criteria: Quest Diagnostics criteria. Collection method: clinical testing. Allele origin: germline.

GeneDx
Classification: Uncertain significance. Last evaluated: 2016-03-16. Review status: criteria provided, single submitter. Criteria: GeneDx Variant Classification (06012015). Collection method: clinical testing. Allele origin: germline. Affected: yes.
Comment: This variant is denoted POLE c.5215A>G at the cDNA level, p.Ile1739Val (I1739V) at the protein level, and results in the change of an Isoleucine to a Valine (ATT>GTT). This variant has not, to our knowledge, been published in the literature as pathogenic or benign. POLE Ile1739Val was not observed in approximately 6,500 individuals of European and African American ancestry in the NHLBI Exome Sequencing Project, suggesting it is not a common benign variant in these populations. Since Isoleucine and Valine share similar properties, this is considered a conservative amino acid substitution. POLE Ile1739Val occurs at a position where amino acids with properties similar to Isoleucine are tolerated across species and is not located in a known functional domain (UniProt). In silico analyses are inconsistent regarding the effect this variant may have on protein structure and function. Based on currently available evidence, it is unclear whether POLE Ile1739Val is a pathogenic or benign variant. We consider it to be a variant of uncertain significance.

Neuberg Centre For Genomic Medicine, NCGM
Classification: Uncertain significance for Colorectal cancer, susceptibility to, 12. Review status: criteria provided, single submitter. Criteria: ACMG Guidelines, 2015. Collection method: clinical testing. Allele origin: germline. Inheritance: Autosomal dominant inheritance. Affected: yes.
Comment: The missense variant c.5215A>G (p.Ile1739Val) in POLE gene has not been reported previously as a pathogenic variant nor as a benign variant, to our knowledge. This variant has been reported to the ClinVar database as Uncertain Significance. The p.Ile1739Val variant is novel (not in any individuals) in 1000 Genomes and is present in the gnomAD exomes database with a frequency of 0.0008%. The amino acid Ile at position 1739 is changed to a Val changing protein sequence and it might alter its composition and physico-chemical properties. In silico tools predict the variant to be tolerated. The residue is conserved across species. The amino acid change p.Ile1739Val in POLE is predicted as conserved by GERP++ and PhyloP across 100 vertebrates. For these reasons, this variant has been classified as Uncertain Significance.

NM_006231.4(POLE):c.5215A>G (p.Ile1739Val)

Gene: POLE (DNA polymerase epsilon, catalytic subunit; minus strand). Cytogenetic location: 12q24.33.
Variant type: single nucleotide variant.
Coding change: c.5215A>G on transcript NM_006231.4 (MANE Select); coding-DNA position 5215, A replaced by G.
Protein change: p.Ile1739Val; replaces isoleucine 1739 with valine.
Molecular consequence: missense variant.
Genome position (GRCh38, 1-based): chr12:132,641,810, T>C on the plus strand (A>G on the coding strand, the complement: POLE is on the minus strand). VCF-style: chr12-132641810-T-C. GRCh37 (hg19) VCF-style: chr12-133218396-T-C.
Other names: short protein forms I1739V.
Identifiers: ClinVar variation 420695 (VCV000420695.16), dbSNP rs1064794641, ClinGen allele CA16619458.